The following is an entry in ClinVar:

ClinVar aggregate classification (germline): Benign/Likely benign. Review status: criteria provided, multiple submitters, no conflicts (2 of 4 stars). 13 submissions from 10 submitters: Benign (6); Likely benign (6). 1 of the submissions does not count toward it. Last evaluated 2026-08-01.

Conditions:
TTN-related disorder. Also called: TTN-related disorders; TTN-related condition; TTN-related disease.
Cardiovascular phenotype. Identifiers: MedGen CN230736.
Autosomal recessive limb-girdle muscular dystrophy type 2J (LGMDR10). Also called: MUSCULAR DYSTROPHY, LIMB-GIRDLE, AUTOSOMAL RECESSIVE 10; Limb-girdle muscular dystrophy, type 2J. Identifiers: Orphanet 140922, MedGen C1837342, MONDO:0012127, OMIM 608807.
Dilated cardiomyopathy 1G (CMD1G). Identifiers: Orphanet 154, MedGen C1858763, MONDO:0011400, OMIM 604145.
Cardiomyopathy (CMYO). Also called: Cardiomyopathies. Identifiers: Orphanet 167848, MedGen C0878544, MONDO:0004994, HP:0001638. Inheritance: Various modes of inheritance.
Early-onset myopathy with fatal cardiomyopathy (CMYO5). Also called: CONGENITAL MYOPATHY 5 WITH CARDIOMYOPATHY; Salih Myopathy. Identifiers: Orphanet 289377, MedGen C2673677, MONDO:0012714, OMIM 611705. Disease mechanism: loss of function.
Myopathy, myofibrillar, 9, with early respiratory failure (MFM9). Also called: Myopathy, distal, with early respiratory failure, autosomal dominant; Hereditary myopathy with early respiratory failure; EDSTROM MYOPATHY; MYOPATHY, PROXIMAL, WITH EARLY RESPIRATORY MUSCLE INVOLVEMENT. Identifiers: Orphanet 178464, Orphanet 34521, MedGen C1863599, MONDO:0011362, OMIM 603689.
Tibial muscular dystrophy (TMD). Also called: Tibial muscular dystrophy, tardive; Udd Distal Myopathy – Tibial Muscular Dystrophy; UDD MYOPATHY. Identifiers: Orphanet 609, MedGen C1838244, MONDO:0010870, OMIM 600334.

Allele frequency attached by ClinVar (database versions not stated): ESP Exome Variant Server 0.00033; 1000 Genomes Project 0.00060; 1000 Genomes Project 30x 0.00062; gnomAD 0.00010 and 0.00007; gnomAD exomes 0.00012 and 0.00021; TOPMed 0.00012; ExAC 0.00023.
gnomAD v4.1: 197 of 1,612,550 alleles (0.012%); highest among the groups gnomAD compares: South Asian, 0.077%; 1 homozygote.

Submissions (13):

CeGaT Center for Human Genetics Tuebingen
Classification: Likely benign. Last evaluated: 2026-08-01. Review status: criteria provided, single submitter. Criteria: CeGaT Center For Human Genetics Tuebingen Variant Classification Criteria Version 2. Collection method: clinical testing. Allele origin: germline. Affected: yes. Observed: 1 variant allele.
Comment: TTN: BP4, BP7

Labcorp Genetics (formerly Invitae), Labcorp
Classification: Benign for Dilated cardiomyopathy 1G; Autosomal recessive limb-girdle muscular dystrophy type 2J. Last evaluated: 2026-01-28. Review status: criteria provided, single submitter. Criteria: Invitae Variant Classification Sherloc (09022015). Collection method: clinical testing. Allele origin: germline.

Women's Health and Genetics/Laboratory Corporation of America, LabCorp
Classification: Likely benign. Last evaluated: 2021-09-25. Review status: criteria provided, single submitter. Criteria: LabCorp Variant Classification Summary - May 2015. Collection method: clinical testing. Allele origin: germline.

Genome-Nilou Lab
Classification: Benign for Autosomal recessive limb-girdle muscular dystrophy type 2J. Last evaluated: 2021-09-10. Review status: criteria provided, single submitter. Criteria: ACMG Guidelines, 2015. Collection method: clinical testing. Allele origin: germline. Affected: no.

Genome-Nilou Lab
Classification: Benign for Myopathy, myofibrillar, 9, with early respiratory failure. Last evaluated: 2021-09-10. Review status: criteria provided, single submitter. Criteria: ACMG Guidelines, 2015. Collection method: clinical testing. Allele origin: germline. Affected: no.

Genome-Nilou Lab
Classification: Benign for Early-onset myopathy with fatal cardiomyopathy. Last evaluated: 2021-09-10. Review status: criteria provided, single submitter. Criteria: ACMG Guidelines, 2015. Collection method: clinical testing. Allele origin: germline. Affected: no.

Genome-Nilou Lab
Classification: Benign for Tibial muscular dystrophy. Last evaluated: 2021-09-10. Review status: criteria provided, single submitter. Criteria: ACMG Guidelines, 2015. Collection method: clinical testing. Allele origin: germline. Affected: no.

CHEO Genetics Diagnostic Laboratory, Children's Hospital of Eastern Ontario
Classification: Likely benign for Cardiomyopathy. Last evaluated: 2021-04-28. Review status: criteria provided, single submitter. Criteria: ACMG Guidelines, 2015. Collection method: clinical testing. Allele origin: germline.

Ambry Genetics
Classification: Likely benign for Cardiovascular phenotype. Last evaluated: 2018-03-01. Review status: criteria provided, single submitter. Criteria: Ambry Variant Classification Scheme 2023. Collection method: clinical testing. Allele origin: germline.

Eurofins Ntd Llc (ga)
Classification: Likely benign. Last evaluated: 2015-07-01. Review status: criteria provided, single submitter. Criteria: EGL Classification Definitions 2015. Collection method: clinical testing. Allele origin: germline. Observed: 1 variant allele, 1 heterozygote.

GeneDx
Classification: Benign. Last evaluated: 2015-03-16. Review status: criteria provided, single submitter. Criteria: GeneDx Variant Classification (06012015). Collection method: clinical testing. Allele origin: germline. Affected: yes.
Comment: This variant is considered likely benign or benign based on one or more of the following criteria: it is a conservative change, it occurs at a poorly conserved position in the protein, it is predicted to be benign by multiple in silico algorithms, and/or has population frequency not consistent with disease.

Laboratory for Molecular Medicine, Mass General Brigham Personalized Medicine
Classification: Likely benign. Last evaluated: 2012-03-19. Review status: criteria provided, single submitter. Criteria: LMM Criteria. Collection method: clinical testing. Allele origin: germline. Observed: 1 variant allele.
Comment: Ala15467Ala in exon 229 of TTN: This variant is not expected to have clinical si gnificance because it does not alter an amino acid residue and is not located wi thin the splice consensus sequence. It has been identified in 0.1% (4/6656) of E uropean American chromosomes from a broad population by the NHLBI Exome Sequenci ng Project. Ala15467Ala in exon 229 of TTN ( allele frequency = 0.1%, 4/6656) **

PreventionGenetics, part of Exact Sciences
Classification: Likely benign for TTN-related condition. Last evaluated: 2023-10-20. Review status: no assertion criteria provided. Collection method: clinical testing. Allele origin: germline. Not counted in ClinVar's aggregate classification.
Comment: This variant is classified as likely benign based on ACMG/AMP sequence variant interpretation guidelines (Richards et al. 2015 PMID: 25741868, with internal and published modifications).

NM_001267550.2(TTN):c.54105G>A (p.Ala18035=)

Genes: TTN (titin; minus strand), TTN-AS1 (TTN antisense RNA 1; plus strand). Cytogenetic location: 2q31.2.
Variant type: single nucleotide variant.
Coding change: c.54105G>A on transcript NM_001267550.2 (MANE Select); coding-DNA position 54105, G replaced by A.
Protein change: p.Ala18035=; no amino-acid change (alanine 18035 retained).
Molecular consequence: synonymous variant. On other transcripts: non-coding transcript variant (1).
Genome position (GRCh38, 1-based): chr2:178,605,072, C>T on the plus strand (G>A on the coding strand, the complement: TTN is on the minus strand). VCF-style: chr2-178605072-C-T. GRCh37 (hg19) VCF-style: chr2-179469799-C-T.
Other names: c.49182G>A, p.Ala16394= (NM_001256850.1); c.46401G>A, p.Ala15467= (NM_133378.4); c.26910G>A, p.Ala8970= (NM_003319.4); c.27285G>A, p.Ala9095= (NM_133432.3); c.27486G>A, p.Ala9162= (NM_133437.4).
Identifiers: ClinVar variation 47081 (VCV000047081.30), dbSNP rs371155050, ClinGen allele CA139946.
Genomic context (GRCh38, chr2:178,605,072, plus strand): 5'-GAACACTGAGCCAAGGCGATTGGAAGCAGTAACTGTGTAAGTGCCTTTGTCCTCCCGGAC[C>T]GCTTTGGGAATGCTAAGCTCAGTTTTTGCCTCACTTCGGGATACCTCTTCCTTGGTTATC-3'
Protein context (NP_001254479.2, residues 18025-18045): EAKTELSIPK[Ala18035=]VREDKGTYTV